The following is an entry in ClinVar:

ClinVar aggregate classification (germline): Uncertain significance (1 of 4 stars; one submission).

Conditions:
Neuropathy, hereditary sensory and autonomic, type 1C. Also called: HSAN IC; HSN IC. Identifiers: Orphanet 36386, MedGen C3150896, MONDO:0013337, OMIM 613640.

Allele frequency attached by ClinVar (database versions not stated): TOPMed below 0.00001; gnomAD 0.00001.
gnomAD v4.1: 1 of 1,614,080 alleles (0.000062%); highest among the groups gnomAD compares: African/African-American, 0.0013%; no homozygotes.

Submission:

Labcorp Genetics (formerly Invitae), Labcorp
Classification: Uncertain significance for Neuropathy, hereditary sensory and autonomic, type 1C. Last evaluated: 2018-08-01. Review status: criteria provided, single submitter. Criteria: Invitae Variant Classification Sherloc (09022015). Collection method: clinical testing. Allele origin: germline.
Comment: In summary, the available evidence is currently insufficient to determine the role of this variant in disease. Therefore, it has been classified as a Variant of Uncertain Significance. Algorithms developed to predict the effect of missense changes on protein structure and function (SIFT, PolyPhen-2, Align-GVGD) all suggest that this variant is likely to be tolerated, but these predictions have not been confirmed by published functional studies and their clinical significance is uncertain. This variant has not been reported in the literature in individuals with SPTLC2-related disease. This variant is not present in population databases (ExAC no frequency). This sequence change replaces tyrosine with histidine at codon 55 of the SPTLC2 protein (p.Tyr55His). The tyrosine residue is moderately conserved and there is a moderate physicochemical difference between tyrosine and histidine.

NM_004863.4(SPTLC2):c.163T>C (p.Tyr55His)

Gene: SPTLC2 (serine palmitoyltransferase long chain base subunit 2; minus strand). Cytogenetic location: 14q24.3.
Variant type: single nucleotide variant.
Coding change: c.163T>C on transcript NM_004863.4 (MANE Select); coding-DNA position 163, T replaced by C.
Protein change: p.Tyr55His; replaces tyrosine 55 with histidine.
Molecular consequence: missense variant.
Genome position (GRCh38, 1-based): chr14:77,597,350, A>G on the plus strand (T>C on the coding strand, the complement: SPTLC2 is on the minus strand). VCF-style: chr14-77597350-A-G. GRCh37 (hg19) VCF-style: chr14-78063693-A-G.
Other names: short protein forms Y55H.
Identifiers: ClinVar variation 661292 (VCV000661292.8), dbSNP rs1273884598, ClinGen allele CA390706546.
Genomic context (GRCh38, chr14:77,597,350, plus strand): 5'-ACGTGAGCACAGCAACCAGCATTGGTGTTTCTTCAAAAGCTTCATTAAACGGTCTTTTAT[A>G]TAGTCCTCCATTTTGTGTAACATGATGGATCTAAAAGAGAGGTTAAAAATGTTTATTTCC-3'
Protein context (NP_004854.1, residues 45-65): IHHVTQNGGL[Tyr55His]KRPFNEAFEE